The following is an entry in ClinVar:

NM_000407.5(GP1BB):c.313G>C (p.Ala105Pro)

Genes: GP1BB (glycoprotein Ib platelet subunit beta; plus strand), SEPT5-GP1BB (SEPT5-GP1BB readthrough; plus strand). Cytogenetic location: 22q11.21.
Variant type: single nucleotide variant.
Coding change: c.313G>C on transcript NM_000407.5 (MANE Select); coding-DNA position 313, G replaced by C.
Protein change: p.Ala105Pro; replaces alanine 105 with proline.
Molecular consequence: missense variant. On other transcripts: non-coding transcript variant (2).
Genome position (GRCh38, 1-based): chr22:19,724,156, G>C. VCF-style: chr22-19724156-G-C. GRCh37 (hg19) VCF-style: chr22-19711679-G-C.
Other names: short protein forms A105P.
Identifiers: ClinVar variation 4282181 (VCV004282181.1).

ClinVar aggregate classification (germline): Uncertain significance (1 of 4 stars; one submission).

Submission:

GeneDx
Classification: Uncertain significance. Last evaluated: 2025-04-16. Review status: criteria provided, single submitter. Criteria: GeneDx Variant Classification Process June 2021. Collection method: clinical testing. Allele origin: germline. Affected: yes.
Comment: Not observed at significant frequency in large population cohorts (gnomAD); In silico analysis indicates that this missense variant does not alter protein structure/function; Has not been previously published as pathogenic or benign to our knowledge